The following is an entry in ClinVar:

NM_001365276.2(TNXB):c.2296C>T (p.Arg766Trp)

Gene: TNXB (tenascin XB; minus strand). Cytogenetic location: 6p21.33.
Variant type: single nucleotide variant.
Coding change: c.2296C>T on transcript NM_001365276.2 (MANE Select); coding-DNA position 2296, C replaced by T.
Protein change: p.Arg766Trp; replaces arginine 766 with tryptophan.
Molecular consequence: missense variant.
Genome position (GRCh38, 1-based): chr6:32,095,138, G>A on the plus strand (C>T on the coding strand, the complement: TNXB is on the minus strand). VCF-style: chr6-32095138-G-A. GRCh37 (hg19) VCF-style: chr6-32062915-G-A.
Other names: c.2296C>T, p.Arg766Trp (NM_019105.8); c.2296C>T (NM_019105.6); short protein forms R766W.
Identifiers: ClinVar variation 1675142 (VCV001675142.5), dbSNP rs1232589427, ClinGen allele CA363470077.

ClinVar aggregate classification (germline): Uncertain significance. Review status: criteria provided, multiple submitters, no conflicts (2 of 4 stars). 2 submissions from 2 submitters: Uncertain significance (2). Last evaluated 2023-08-28.

Conditions:
Cardiovascular phenotype. Identifiers: MedGen CN230736.
Ehlers-Danlos syndrome due to tenascin-X deficiency (EDSCLL1). Also called: TNX DEFICIENCY; EHLERS-DANLOS SYNDROME, CLASSIC-LIKE; Ehlers-Danlos syndrome, classic-like, 1; TNXB-Related Classical-Like Ehlers-Danlos Syndrome; EDS DUE TO TNX DEFICIENCY. Identifiers: Orphanet 230839, MedGen C1848029, MONDO:0011670, OMIM 606408.
Vesicoureteral reflux 8 (VUR8). Identifiers: Orphanet 289365, MedGen C4014831, MONDO:0014422, OMIM 615963.

Allele frequency attached by ClinVar (database versions not stated): gnomAD 0.00002 and 0.00003; TOPMed 0.00002.
gnomAD v4.1: 54 of 1,549,880 alleles (0.0035%); highest among the groups gnomAD compares: Middle Eastern, 0.017%; no homozygotes.

Submissions (2):

Ambry Genetics
Classification: Uncertain significance for Cardiovascular phenotype. Last evaluated: 2023-08-28. Review status: criteria provided, single submitter. Criteria: Ambry Variant Classification Scheme 2023. Collection method: clinical testing. Allele origin: germline.
Comment: The p.R766W variant (also known as c.2296C>T), located in coding exon 3 of the TNXB gene, results from a C to T substitution at nucleotide position 2296. The arginine at codon 766 is replaced by tryptophan, an amino acid with dissimilar properties. This amino acid position is conserved. In addition, the in silico prediction for this alteration is inconclusive. Since supporting evidence is limited at this time, the clinical significance of this alteration remains unclear.

Center for Genomics, Ann and Robert H. Lurie Children's Hospital of Chicago
Classification: Uncertain significance for Ehlers-Danlos syndrome due to tenascin-X deficiency; Vesicoureteral reflux 8. Review status: criteria provided, single submitter. Criteria: ACMG Guidelines, 2015. Collection method: clinical testing. Allele origin: germline.
Comment: This variant has not been reported in the literature but is present in 0.007% (2/41428) of African/African American alleles in the Genome Aggregation Database. Evolutionary conservation and computational predictive tools suggest that this variant may not impact the protein. In summary, data on this variant is insufficient for disease classification. Therefore, the clinical significance of this variant is uncertain.